The following is an entry in ClinVar:

NM_015141.4(GPD1L):c.1009G>C (p.Val337Leu)

Gene: GPD1L (glycerol-3-phosphate dehydrogenase 1 like; plus strand). Cytogenetic location: 3p22.3.
Variant type: single nucleotide variant.
Coding change: c.1009G>C on transcript NM_015141.4 (MANE Select); coding-DNA position 1009, G replaced by C.
Protein change: p.Val337Leu; replaces valine 337 with leucine.
Molecular consequence: missense variant.
Genome position (GRCh38, 1-based): chr3:32,165,863, G>C. VCF-style: chr3-32165863-G-C. GRCh37 (hg19) VCF-style: chr3-32207355-G-C.
Other names: c.1009G>C (NM_015141.3); short protein forms V337L.
Identifiers: ClinVar variation 1467346 (VCV001467346.7), dbSNP rs766273195, ClinGen allele CA2296820.
Genomic context (GRCh38, chr3:32,165,863, plus strand): 5'-CTCCCAACTAGGTTTCCATTGTTTACTGCAGTGTATCAGATCTGCTACGAAAGCAGACCA[G>C]TTCAAGAGATGTTGTCTTGTCTTCAGAGCCATCCAGAGCATACATAAAGTGAATCATGCA-3'
Protein context (NP_055956.1, residues 327-347): VYQICYESRP[Val337Leu]QEMLSCLQSH

ClinVar aggregate classification (germline): Uncertain significance. Review status: criteria provided, multiple submitters, no conflicts (2 of 4 stars). 2 submissions from 2 submitters: Uncertain significance (2). Last evaluated 2024-05-24.

Conditions:
Brugada syndrome. Also called: Sudden unexplained nocturnal death syndrome; Sudden unexpected nocturnal death syndrome; Sudden Unexplained Death Syndrome; Sudden Unexplained Nocturnal Death Syndrome (SUNDS). Identifiers: Orphanet 130, MedGen C1142166, MONDO:0015263.
Cardiovascular phenotype. Identifiers: MedGen CN230736.

Allele frequency attached by ClinVar (database versions not stated): gnomAD exomes below 0.00001 and 0.00001; ExAC 0.00001.
gnomAD v4.1: 3 of 1,609,684 alleles (0.00019%); highest among the groups gnomAD compares: Non-Finnish European, 0.00026%; no homozygotes.

Submissions (2):

Ambry Genetics
Classification: Uncertain significance for Cardiovascular phenotype. Last evaluated: 2024-05-24. Review status: criteria provided, single submitter. Criteria: Ambry Variant Classification Scheme 2023. Collection method: clinical testing. Allele origin: germline.
Comment: The p.V337L variant (also known as c.1009G>C), located in coding exon 8 of the GPD1L gene, results from a G to C substitution at nucleotide position 1009. The valine at codon 337 is replaced by leucine, an amino acid with highly similar properties. This amino acid position is conserved. In addition, the in silico prediction for this alteration is inconclusive. Based on the available evidence, the clinical significance of this variant remains unclear.

Labcorp Genetics (formerly Invitae), Labcorp
Classification: Uncertain significance for Brugada syndrome. Last evaluated: 2022-08-16. Review status: criteria provided, single submitter. Criteria: Invitae Variant Classification Sherloc (09022015). Collection method: clinical testing. Allele origin: germline.
Comment: ClinVar contains an entry for this variant (Variation ID: 1467346). In summary, the available evidence is currently insufficient to determine the role of this variant in disease. Therefore, it has been classified as a Variant of Uncertain Significance. Algorithms developed to predict the effect of missense changes on protein structure and function (SIFT, PolyPhen-2, Align-GVGD) all suggest that this variant is likely to be tolerated. This variant has not been reported in the literature in individuals affected with GPD1L-related conditions. This variant is present in population databases (rs766273195, gnomAD 0.0009%). This sequence change replaces valine, which is neutral and non-polar, with leucine, which is neutral and non-polar, at codon 337 of the GPD1L protein (p.Val337Leu).